The following is an entry in ClinVar:

ClinVar aggregate classification (germline): Uncertain significance. Review status: criteria provided, multiple submitters, no conflicts (2 of 4 stars). 2 submissions from 2 submitters: Uncertain significance (2). Last evaluated 2025-06-07.

Allele frequency attached by ClinVar (database versions not stated): 1000 Genomes Project 0.00020; gnomAD exomes 0.00001; 1000 Genomes Project 30x 0.00016.
gnomAD v4.1: 18 of 1,613,140 alleles (0.0011%); highest among the groups gnomAD compares: Admixed American, 0.0017%; no homozygotes.

Submissions (2):

Ambry Genetics
Classification: Uncertain significance. Last evaluated: 2025-06-07. Review status: criteria provided, single submitter. Criteria: Ambry Variant Classification Scheme 2023. Collection method: clinical testing. Allele origin: germline.

Labcorp Genetics (formerly Invitae), Labcorp
Classification: Uncertain significance. Last evaluated: 2025-05-25. Review status: criteria provided, single submitter. Criteria: Invitae Variant Classification Sherloc (09022015). Collection method: clinical testing. Allele origin: germline.
Comment: This sequence change replaces lysine, which is basic and polar, with threonine, which is neutral and polar, at codon 644 of the DHX32 protein (p.Lys644Thr). This variant is present in population databases (rs140975050, gnomAD 0.004%). This variant has not been reported in the literature in individuals affected with DHX32-related conditions. ClinVar contains an entry for this variant (Variation ID: 1424597). An algorithm developed to predict the effect of missense changes on protein structure and function (PolyPhen-2) suggests that this variant is likely to be disruptive. In summary, the available evidence is currently insufficient to determine the role of this variant in disease. Therefore, it has been classified as a Variant of Uncertain Significance.

NM_018180.3(DHX32):c.1931A>C (p.Lys644Thr)

Genes: BCCIP (BRCA2 and CDKN1A interacting protein; plus strand), DHX32 (DEAH-box helicase 32 (putative); minus strand). Cytogenetic location: 10q26.2.
Variant type: single nucleotide variant.
Coding change: c.1931A>C on transcript NM_018180.3 (MANE Select); coding-DNA position 1931, A replaced by C.
Protein change: p.Lys644Thr; replaces lysine 644 with threonine.
Molecular consequence: missense variant. On other transcripts: intron variant (2).
Genome position (GRCh38, 1-based): chr10:125,838,338, T>G on the plus strand (A>C on the coding strand, the complement: DHX32 is on the minus strand). VCF-style: chr10-125838338-T-G. GRCh37 (hg19) VCF-style: chr10-127526907-T-G.
Other names: c.775-2917T>G (NM_016567.4, NM_078469.3); short protein forms K644T.
Identifiers: ClinVar variation 1424597 (VCV001424597.45), dbSNP rs140975050, ClinGen allele CA5739003.